The following is an entry in ClinVar:

NM_183050.4(BCKDHB):c.585T>A (p.Tyr195Ter)

Gene: BCKDHB (branched chain keto acid dehydrogenase E1 subunit beta; plus strand). Cytogenetic location: 6q14.1.
Variant type: single nucleotide variant.
Coding change: c.585T>A on transcript NM_183050.4 (MANE Select); coding-DNA position 585, T replaced by A.
Protein change: p.Tyr195Ter; replaces tyrosine 195 with a stop codon.
Molecular consequence: nonsense. On other transcripts: non-coding transcript variant (1).
Genome position (GRCh38, 1-based): chr6:80,168,982, T>A. VCF-style: chr6-80168982-T-A. GRCh37 (hg19) VCF-style: chr6-80878699-T-A.
Other names: c.585T>A (NM_183050.3); c.585T>A, p.Tyr195Ter (NM_000056.5); c.375T>A, p.Tyr125Ter (NM_001318975.1); short protein forms Y125*, Y195*.
Identifiers: ClinVar variation 2006724 (VCV002006724.5), dbSNP rs2481900188, ClinGen allele CA364657960.
Genomic context (GRCh38, chr6:80,168,982, plus strand): 5'-TAACTGTGGAAGCCTCACTATCCGGTCCCCTTGGGGCTGTGTTGGTCATGGGGCTCTCTA[T>A]CATTCTCAGAGTCCTGAAGCATTTTTTGCCCATTGCCCAGGAATCAAGGTATGTTCATTT-3'

ClinVar aggregate classification (germline): Pathogenic/Likely pathogenic. Review status: criteria provided, multiple submitters, no conflicts (2 of 4 stars). 2 submissions from 2 submitters: Pathogenic (1); Likely pathogenic (1). Last evaluated 2024-06-07.

Conditions:
Maple syrup urine disease type 1B (MSUD1B). Also called: MSUD type IB; MSUD type 3 (formerly); MSUD due to deficiency of e1-beta subunit of branched-chain alpha-keto acid dehydrogenase complex. Identifiers: MedGen C2930990, MONDO:0023692, OMIM 620698.
Maple syrup urine disease (MSUD). Identifiers: Orphanet 511, MedGen C0024776, MeSH D008375, MONDO:0009563. Disease mechanism: loss of function.

Submissions (2):

Natera, Inc.
Classification: Likely pathogenic for Maple syrup urine disease type 1B. Last evaluated: 2024-06-07. Review status: criteria provided, single submitter. Criteria: Natera Variant Classification Schema (03/2026). Collection method: clinical testing. Allele origin: germline.
Comment: The c.585T>A variant in BCKDHB is a nonsense variant predicted to introduce a stop codon at amino acid 195. This variant is expected to result in nonsense mediated decay, truncation, or a dysfunctional protein product. This variant is rare in the general population with a frequency below the threshold expected for the associated phenotype(s). Given the available evidence, this variant is classified as Likely Pathogenic.

Labcorp Genetics (formerly Invitae), Labcorp
Classification: Pathogenic for Maple syrup urine disease. Last evaluated: 2022-06-14. Review status: criteria provided, single submitter. Criteria: Invitae Variant Classification Sherloc (09022015). Collection method: clinical testing. Allele origin: germline.
Comment: For these reasons, this variant has been classified as Pathogenic. This variant has not been reported in the literature in individuals affected with BCKDHB-related conditions. This variant is not present in population databases (gnomAD no frequency). This sequence change creates a premature translational stop signal (p.Tyr195*) in the BCKDHB gene. It is expected to result in an absent or disrupted protein product. Loss-of-function variants in BCKDHB are known to be pathogenic (PMID: 16786533, 22593002).

Literature cited by the submitters: PubMed 16786533 (cited by Labcorp Genetics (formerly Invitae), Labcorp); PubMed 22593002 (cited by Labcorp Genetics (formerly Invitae), Labcorp).